The following is an entry in ClinVar:

NM_001267550.2(TTN):c.95864A>T (p.Gln31955Leu)

Genes: TTN (titin; minus strand), TTN-AS1 (TTN antisense RNA 1; plus strand). Cytogenetic location: 2q31.2.
Variant type: single nucleotide variant.
Coding change: c.95864A>T on transcript NM_001267550.2 (MANE Select); coding-DNA position 95864, A replaced by T.
Protein change: p.Gln31955Leu; replaces glutamine 31955 with leucine.
Molecular consequence: missense variant.
Genome position (GRCh38, 1-based): chr2:178,544,365, T>A on the plus strand (A>T on the coding strand, the complement: TTN is on the minus strand). VCF-style: chr2-178544365-T-A. GRCh37 (hg19) VCF-style: chr2-179409092-T-A.
Other names: c.88160A>T, p.Gln29387Leu (NM_133378.4); c.90941A>T, p.Gln30314Leu (NM_001256850.1); c.68669A>T, p.Gln22890Leu (NM_003319.4); c.69044A>T, p.Gln23015Leu (NM_133432.3); c.69245A>T, p.Gln23082Leu (NM_133437.4); short protein forms Q29387L, Q31955L, Q23015L, Q30314L, Q23082L, Q22890L.
Identifiers: ClinVar variation 179890 (VCV000179890.5), dbSNP rs552683796, ClinGen allele CA185359.
Genomic context (GRCh38, chr2:178,544,365, plus strand): 5'-AGGTCTGGCACAGTGAATTCAGTATTTCTTATTGTGGCATTGGTATGCACTCGGTACCAC[T>A]GATCAGTGTCCTTCTCTTGCATTTCCAGAACATATCCTACAATGTCAGTACCACCATCGT-3'
Protein context (NP_001254479.2, residues 31945-31965): VLEMQEKDTD[Gln31955Leu]WYRVHTNATI

ClinVar aggregate classification (germline): Uncertain significance (1 of 4 stars; one submission).

Allele frequency attached by ClinVar (database versions not stated): gnomAD below 0.00001 and 0.00001; gnomAD exomes 0.00001 and 0.00004; ExAC 0.00002; 1000 Genomes Project 30x 0.00016; 1000 Genomes Project 0.00020.
gnomAD v4.1: 22 of 1,613,846 alleles (0.0014%); highest among the groups gnomAD compares: South Asian, 0.022%; no homozygotes.

Submission:

Laboratory for Molecular Medicine, Mass General Brigham Personalized Medicine
Classification: Uncertain significance. Last evaluated: 2014-08-07. Review status: criteria provided, single submitter. Criteria: LMM Criteria. Collection method: clinical testing. Allele origin: germline. Observed: 1 variant allele.
Comment: The Gln29387Leu variant in TTN has not been previously reported in individuals w ith cardiomyopathy or in large population studies. Computational prediction tool s and conservation analysis do not provide strong support for or against an impa ct to the protein. In summary, the clinical significance of the Gln29387Leu vari ant is uncertain.